The following is an entry in ClinVar:

ClinVar aggregate classification (germline): Pathogenic (1 of 4 stars; one submission).

Conditions:
Inborn genetic diseases. Identifiers: MedGen C0950123, MeSH D030342.

Submission:

Ambry Genetics
Classification: Pathogenic for Inborn genetic diseases. Last evaluated: 2016-05-17. Review status: criteria provided, single submitter. Criteria: Ambry Variant Classification Scheme 2023. Collection method: clinical testing. Allele origin: germline.
Comment: The c.1015+1G>C intronic pathogenic mutation results from a G to C substitution one nucleotide after coding exon 10 of the CASK gene. Since alterations that disrupt the canonical splice donor site are typically deleterious in nature, this alteration is interpreted as a disease-causing mutation (ACMG Recommendations for Standards for Interpretation and Reporting of Sequence Variations. Revision 2007. Genet Med. 2008;10:294).

Literature cited by the submitters: PubMed 21954287.

NM_001367721.1(CASK):c.1015+1G>C

Gene: CASK (calcium/calmodulin dependent serine protein kinase; minus strand). Cytogenetic location: Xp11.4.
Variant type: single nucleotide variant.
Coding change: c.1015+1G>C on transcript NM_001367721.1 (MANE Select); the canonical splice donor site of the intron after coding-DNA position 1015, G replaced by C.
Molecular consequence: splice donor variant.
Genome position (GRCh38, 1-based): chrX:41,626,603, C>G on the plus strand (G>C on the coding strand, the complement: CASK is on the minus strand). VCF-style: chrX-41626603-C-G. GRCh37 (hg19) VCF-style: chrX-41485856-C-G.
Other names: c.1015+1G>C (NM_001126055.3, NM_001410745.1, NM_001126054.3 and 1 more transcripts).
Identifiers: ClinVar variation 587865 (VCV000587865.5), dbSNP rs1569350501, ClinGen allele CA412993827.